The following is an entry in ClinVar:

ClinVar aggregate classification (germline): Uncertain significance. Review status: criteria provided, multiple submitters, no conflicts (2 of 4 stars). 4 submissions from 4 submitters: Uncertain significance (4). Last evaluated 2025-02-05.

Conditions:
Familial colorectal cancer type X. Identifiers: Orphanet 440437, MedGen C3896578, MONDO:0018604.
Hereditary cancer-predisposing syndrome. Also called: Neoplastic Syndromes, Hereditary; Tumor predisposition; Hereditary Cancer Syndrome; Hereditary neoplastic syndrome. Identifiers: Orphanet 140162, MedGen C0027672, MeSH D009386, MONDO:0015356.
Ataxia-telangiectasia syndrome (AT). Also called: ATAXIA-TELANGIECTASIA, COMPLEMENTATION GROUP A; ATAXIA-TELANGIECTASIA, FRESNO VARIANT; Ataxia-telangiectasia; Ataxia-telangiectasia, complementation group D; AT, COMPLEMENTATION GROUP C; Ataxia-telangiectasia, complementation group E. Identifiers: Orphanet 100, MedGen C0004135, MONDO:0008840, OMIM 208900.

Submissions (4):

Labcorp Genetics (formerly Invitae), Labcorp
Classification: Uncertain significance for Ataxia-telangiectasia syndrome. Last evaluated: 2025-02-05. Review status: criteria provided, single submitter. Criteria: Invitae Variant Classification Sherloc (09022015). Collection method: clinical testing. Allele origin: germline.
Comment: This sequence change replaces lysine, which is basic and polar, with asparagine, which is neutral and polar, at codon 892 of the ATM protein (p.Lys892Asn). This variant is not present in population databases (gnomAD no frequency). This variant has not been reported in the literature in individuals affected with ATM-related conditions. ClinVar contains an entry for this variant (Variation ID: 524307). Invitae Evidence Modeling of protein sequence and biophysical properties (such as structural, functional, and spatial information, amino acid conservation, physicochemical variation, residue mobility, and thermodynamic stability) indicates that this missense variant is not expected to disrupt ATM protein function with a negative predictive value of 95%. In summary, the available evidence is currently insufficient to determine the role of this variant in disease. Therefore, it has been classified as a Variant of Uncertain Significance.

Color Diagnostics, LLC DBA Color Health
Classification: Uncertain significance for Hereditary cancer-predisposing syndrome. Last evaluated: 2023-12-04. Review status: criteria provided, single submitter. Criteria: ACMG Guidelines, 2015. Collection method: clinical testing. Allele origin: germline.
Comment: This missense variant replaces lysine with asparagine at codon 892 of the ATM protein. Computational prediction suggests that this variant may not impact protein structure and function (internally defined REVEL score threshold <= 0.5, PMID: 27666373). To our knowledge, functional studies have not been reported for this variant. This variant has not been reported in individuals affected with ATM-related disorders in the literature. This variant has not been identified in the general population by the Genome Aggregation Database (gnomAD). The available evidence is insufficient to determine the role of this variant in disease conclusively. Therefore, this variant is classified as a Variant of Uncertain Significance.

Department of Pathology and Laboratory Medicine, Sinai Health System
Classification: Uncertain significance for Familial colorectal cancer type X. Last evaluated: 2021-12-31. Review status: criteria provided, single submitter. Criteria: ACMG Guidelines, 2015. Collection method: clinical testing. Allele origin: germline. Affected: yes.

Ambry Genetics
Classification: Uncertain significance for Hereditary cancer-predisposing syndrome. Last evaluated: 2017-11-13. Review status: criteria provided, single submitter. Criteria: Ambry Variant Classification Scheme 2023. Collection method: clinical testing. Allele origin: germline.
Comment: The p.K892N variant (also known as c.2676G>T), located in coding exon 17 of the ATM gene, results from a G to T substitution at nucleotide position 2676. The lysine at codon 892 is replaced by asparagine, an amino acid with similar properties. This nucleotide position is well conserved in available vertebrate species. This amino acid position is highly conserved in available vertebrate species. In addition, this alteration is predicted to be tolerated by in silico analysis. Since supporting evidence is limited at this time, the clinical significance of this alteration remains unclear.

NM_000051.4(ATM):c.2676G>T (p.Lys892Asn)

Gene: ATM (ATM serine/threonine kinase; plus strand). Cytogenetic location: 11q22.3.
Variant type: single nucleotide variant.
Coding change: c.2676G>T on transcript NM_000051.4 (MANE Select); coding-DNA position 2676, G replaced by T.
Protein change: p.Lys892Asn; replaces lysine 892 with asparagine.
Molecular consequence: missense variant.
Genome position (GRCh38, 1-based): chr11:108,268,447, G>T. VCF-style: chr11-108268447-G-T. GRCh37 (hg19) VCF-style: chr11-108139174-G-T.
Other names: c.2676G>T, p.Lys892Asn (NM_001351834.2); short protein forms K892N.
Identifiers: ClinVar variation 524307 (VCV000524307.17), dbSNP rs1555083128, ClinGen allele CA382545123.